The following is an entry in ClinVar:

ClinVar aggregate classification (germline): Conflicting classifications of pathogenicity. Review status: criteria provided, conflicting classifications (1 of 4 stars). 5 submissions from 5 submitters: Uncertain significance (4); Likely benign (1). Last evaluated 2025-10-01.

Conditions:
Isolated focal cortical dysplasia type II (FCORD2). Also called: Focal cortical dysplasia type II; CORTICAL DYSPLASIA OF TAYLOR. Identifiers: Orphanet 268994, MedGen C1846385, MONDO:0011818, OMIM 607341, HP:0032051.
Hereditary cancer-predisposing syndrome. Also called: Hereditary neoplastic syndrome; Neoplastic Syndromes, Hereditary; Tumor predisposition; Hereditary Cancer Syndrome. Identifiers: Orphanet 140162, MedGen C0027672, MeSH D009386, MONDO:0015356.
Tuberous sclerosis 1 (TSC1). Identifiers: Orphanet 805, MedGen C1854465, MONDO:0008612, OMIM 191100.
Tuberous sclerosis syndrome (TSC). Also called: Tuberous Sclerosis Complex; Tuberous sclerosis. Identifiers: Orphanet 805, MedGen C0041341, MONDO:0001734.

Allele frequency attached by ClinVar (database versions not stated): gnomAD exomes below 0.00001; ExAC 0.00001; ESP Exome Variant Server 0.00008.

Submissions (5):

Color Diagnostics, LLC DBA Color Health
Classification: Uncertain significance for Tuberous sclerosis syndrome. Last evaluated: 2025-10-01. Review status: criteria provided, single submitter. Criteria: ACMG Guidelines, 2015. Collection method: clinical testing. Allele origin: germline.
Comment: This missense variant replaces cysteine with tyrosine at codon 995 of the TSC1 protein. Computational prediction suggests that this variant may not impact protein structure and function. To our knowledge, functional studies have not been reported for this variant. This variant has not been reported in individuals affected with TSC1-related disorders in the literature. This variant has not been identified in the general population by the Genome Aggregation Database (gnomAD). The available evidence is insufficient to determine the role of this variant in disease conclusively. Therefore, this variant is classified as a Variant of Uncertain Significance.

Labcorp Genetics (formerly Invitae), Labcorp
Classification: Likely benign for Tuberous sclerosis 1. Last evaluated: 2025-01-15. Review status: criteria provided, single submitter. Criteria: Invitae Variant Classification Sherloc (09022015). Collection method: clinical testing. Allele origin: germline.

Baylor Genetics
Classification: Uncertain significance for Isolated focal cortical dysplasia type II. Last evaluated: 2023-10-02. Review status: criteria provided, single submitter. Criteria: ACMG Guidelines, 2015. Collection method: clinical testing. Allele origin: unknown.

Ambry Genetics
Classification: Uncertain significance for Hereditary cancer-predisposing syndrome. Last evaluated: 2023-09-25. Review status: criteria provided, single submitter. Criteria: Ambry Variant Classification Scheme 2023. Collection method: clinical testing. Allele origin: germline.
Comment: The p.C995Y variant (also known as c.2984G>A), located in coding exon 21 of the TSC1 gene, results from a G to A substitution at nucleotide position 2984. The cysteine at codon 995 is replaced by tyrosine, an amino acid with highly dissimilar properties. This amino acid position is well conserved in available vertebrate species. In addition, the in silico prediction for this alteration is inconclusive. Since supporting evidence is limited at this time, the clinical significance of this alteration remains unclear.

GeneDx
Classification: Uncertain significance. Last evaluated: 2023-03-01. Review status: criteria provided, single submitter. Criteria: GeneDx Variant Classification Process June 2021. Collection method: clinical testing. Allele origin: germline. Affected: yes.
Comment: Has not been previously published as pathogenic or benign to our knowledge; In silico analysis supports that this missense variant does not alter protein structure/function

NM_000368.5(TSC1):c.2984G>A (p.Cys995Tyr)

Gene: TSC1 (TSC complex subunit 1; minus strand). Cytogenetic location: 9q34.13.
Variant type: single nucleotide variant.
Coding change: c.2984G>A on transcript NM_000368.5 (MANE Select); coding-DNA position 2984, G replaced by A.
Protein change: p.Cys995Tyr; replaces cysteine 995 with tyrosine.
Molecular consequence: missense variant.
Genome position (GRCh38, 1-based): chr9:132,896,746, C>T on the plus strand (G>A on the coding strand, the complement: TSC1 is on the minus strand). VCF-style: chr9-132896746-C-T. GRCh37 (hg19) VCF-style: chr9-135772133-C-T.
Other names: c.2981G>A, p.Cys994Tyr (NM_001162426.2); c.2831G>A, p.Cys944Tyr (NM_001162427.2); c.2621G>A, p.Cys874Tyr (NM_001362177.2); short protein forms C874Y, C944Y, C994Y, C995Y.
Identifiers: ClinVar variation 1024630 (VCV001024630.12), dbSNP rs144314195, ClinGen allele CA035458.